The following is an entry in ClinVar:

NM_003128.3(SPTBN1):c.699C>T (p.Asn233=)

Gene: SPTBN1 (spectrin beta, non-erythrocytic 1; plus strand). Cytogenetic location: 2p16.2.
Variant type: single nucleotide variant.
Coding change: c.699C>T on transcript NM_003128.3 (MANE Select); coding-DNA position 699, C replaced by T.
Protein change: p.Asn233=; no amino-acid change (asparagine 233 retained).
Molecular consequence: synonymous variant.
Genome position (GRCh38, 1-based): chr2:54,618,129, C>T. VCF-style: chr2-54618129-C-T. GRCh37 (hg19) VCF-style: chr2-54845266-C-T.
Other names: c.660C>T, p.Asn220= (NM_178313.3).
Identifiers: ClinVar variation 3388145 (VCV003388145.15).

ClinVar aggregate classification (germline): Likely benign. Review status: criteria provided, multiple submitters, no conflicts (2 of 4 stars). 2 submissions from 2 submitters: Likely benign (2). Last evaluated 2025-12-01.

gnomAD v4.1: 603 of 1,614,198 alleles (0.037%); highest among the groups gnomAD compares: Non-Finnish European, 0.047%; 1 homozygote.

Submissions (2):

CeGaT Center for Human Genetics Tuebingen
Classification: Likely benign. Last evaluated: 2025-12-01. Review status: criteria provided, single submitter. Criteria: CeGaT Center For Human Genetics Tuebingen Variant Classification Criteria Version 2. Collection method: clinical testing. Allele origin: germline. Affected: yes. Observed: 3 variant alleles.
Comment: SPTBN1: BP4, BP7

Blueprint Genetics
Classification: Likely benign. Last evaluated: 2024-11-25. Review status: criteria provided, single submitter. Criteria: ACMG Guidelines, 2015. Collection method: clinical testing. Allele origin: germline.